The following is an entry in ClinVar:

ClinVar aggregate classification (germline): Uncertain significance. Review status: criteria provided, multiple submitters, no conflicts (2 of 4 stars). 2 submissions from 2 submitters: Uncertain significance (2). Last evaluated 2025-02-12.

Conditions:
Inborn genetic diseases. Identifiers: MedGen C0950123, MeSH D030342.

Allele frequency attached by ClinVar (database versions not stated): gnomAD exomes below 0.00001.
gnomAD v4.1: 1 of 1,554,188 alleles (0.000064%); highest among the groups gnomAD compares: Admixed American, 0.0021%; no homozygotes.

Submissions (2):

Ambry Genetics
Classification: Uncertain significance for Inborn genetic diseases. Last evaluated: 2025-02-12. Review status: criteria provided, single submitter. Criteria: Ambry Variant Classification Scheme 2023. Collection method: clinical testing. Allele origin: germline.
Comment: The p.M584V variant (also known as c.1750A>G), located in coding exon 11 of the ERCC6L2 gene, results from an A to G substitution at nucleotide position 1750. The methionine at codon 584 is replaced by valine, an amino acid with highly similar properties. This amino acid position is conserved. In addition, the in silico prediction for this alteration is inconclusive. Based on the available evidence, the clinical significance of this variant remains unclear.

Labcorp Genetics (formerly Invitae), Labcorp
Classification: Uncertain significance. Last evaluated: 2024-11-05. Review status: criteria provided, single submitter. Criteria: Invitae Variant Classification Sherloc (09022015). Collection method: clinical testing. Allele origin: germline.
Comment: This sequence change replaces methionine, which is neutral and non-polar, with valine, which is neutral and non-polar, at codon 595 of the ERCC6L2 protein (p.Met595Val). This variant is present in population databases (no rsID available, gnomAD 0.004%). This variant has not been reported in the literature in individuals affected with ERCC6L2-related conditions. ClinVar contains an entry for this variant (Variation ID: 1488701). Experimental studies and prediction algorithms are not available or were not evaluated, and the functional significance of this variant is currently unknown. In summary, the available evidence is currently insufficient to determine the role of this variant in disease. Therefore, it has been classified as a Variant of Uncertain Significance.

NM_020207.7(ERCC6L2):c.1750A>G (p.Met584Val)

Gene: ERCC6L2 (ERCC excision repair 6 like 2; plus strand). Cytogenetic location: 9q22.32.
Variant type: single nucleotide variant.
Coding change: c.1750A>G on transcript NM_020207.7 (MANE Select); coding-DNA position 1750, A replaced by G.
Protein change: p.Met584Val; replaces methionine 584 with valine.
Molecular consequence: missense variant. On other transcripts: non-coding transcript variant (1).
Genome position (GRCh38, 1-based): chr9:95,928,863, A>G. VCF-style: chr9-95928863-A-G. GRCh37 (hg19) VCF-style: chr9-98691145-A-G.
Other names: c.1750A>G, p.Met584Val (NM_001010895.4, NM_001375291.1, NM_001375292.1 and 2 more transcripts); short protein forms M584V.
Identifiers: ClinVar variation 1488701 (VCV001488701.9), dbSNP rs1400912260, ClinGen allele CA374126155.
Genomic context (GRCh38, chr9:95,928,863, plus strand): 5'-CTCAAGATTGTAAAAGAGTTCAACAGTACACAAGATGTTAACATTTGCCTTGTCTCTACA[A>G]TGTAAGAAAATTAAATTTAATAACTAGATTTTTATCCAATTGTTTTTGAGATTTAGCATA-3'
Protein context (NP_064592.3, residues 574-594): QDVNICLVST[Met584Val]AGGLGLNFVG